The following is an entry in ClinVar:

ClinVar aggregate classification (germline): Uncertain significance (1 of 4 stars; one submission).

Conditions:
ALG9 congenital disorder of glycosylation (CDG1L). Also called: CDG Il; ALG9-CDG; CONGENITAL DISORDER OF GLYCOSYLATION, TYPE Il. Identifiers: Orphanet 79328, MedGen C2931006, MONDO:0012117, OMIM 608776.

gnomAD v4.1: 12 of 1,613,968 alleles (0.00074%); highest among the groups gnomAD compares: East Asian, 0.022%; no homozygotes.

Submission:

Labcorp Genetics (formerly Invitae), Labcorp
Classification: Uncertain significance for ALG9 congenital disorder of glycosylation. Last evaluated: 2025-08-30. Review status: criteria provided, single submitter. Criteria: Invitae Variant Classification Sherloc (09022015). Collection method: clinical testing. Allele origin: germline.
Comment: This sequence change replaces alanine, which is neutral and non-polar, with valine, which is neutral and non-polar, at codon 333 of the ATP6V0A2 protein (p.Ala333Val). This variant is present in population databases (rs759077965, gnomAD 0.05%). This variant has not been reported in the literature in individuals affected with ATP6V0A2-related conditions. Invitae Evidence Modeling of protein sequence and biophysical properties (such as structural, functional, and spatial information, amino acid conservation, physicochemical variation, residue mobility, and thermodynamic stability) indicates that this missense variant is not expected to disrupt ATP6V0A2 protein function with a negative predictive value of 80%. In summary, the available evidence is currently insufficient to determine the role of this variant in disease. Therefore, it has been classified as a Variant of Uncertain Significance.

NM_012463.4(ATP6V0A2):c.998C>T (p.Ala333Val)

Gene: ATP6V0A2 (ATPase H+ transporting V0 subunit a2; plus strand). Cytogenetic location: 12q24.31.
Variant type: single nucleotide variant.
Coding change: c.998C>T on transcript NM_012463.4 (MANE Select); coding-DNA position 998, C replaced by T.
Protein change: p.Ala333Val; replaces alanine 333 with valine.
Molecular consequence: missense variant.
Genome position (GRCh38, 1-based): chr12:123,737,231, C>T. VCF-style: chr12-123737231-C-T. GRCh37 (hg19) VCF-style: chr12-124221778-C-T.
Other names: short protein forms A333V.
Identifiers: ClinVar variation 4803581 (VCV004803581.1).
Genomic context (GRCh38, chr12:123,737,231, plus strand): 5'-ACATGTGCAGCTTTGACGTGACCAACAAGTGCCTCATTGCTGAGGTCTGGTGTCCCGAGG[C>T]GGATCTGCAGGACCTGCGCCGGGCACTGGAGGAGGGCTCGGTAAGGCTGCCTTCCTCTCC-3'
Protein context (NP_036595.2, residues 323-343): CLIAEVWCPE[Ala333Val]DLQDLRRALE